The following is an entry in ClinVar:

NM_000051.4(ATM):c.7629+2T>G

Genes: ATM (ATM serine/threonine kinase; plus strand), C11orf65 (chromosome 11 open reading frame 65; minus strand). Cytogenetic location: 11q22.3.
Variant type: single nucleotide variant.
Coding change: c.7629+2T>G on transcript NM_000051.4 (MANE Select); the canonical splice donor site of the intron after coding-DNA position 7629, T replaced by G.
Molecular consequence: splice donor variant. On other transcripts: non-coding transcript variant (1), intron variant (2).
Genome position (GRCh38, 1-based): chr11:108,331,559, T>G. VCF-style: chr11-108331559-T-G. GRCh37 (hg19) VCF-style: chr11-108202286-T-G.
Other names: c.7629+2T>G (NM_001351834.2); c.641-22488A>C (NM_001330368.2); c.*38+3661A>C (NM_001351110.2).
Identifiers: ClinVar variation 3148053 (VCV003148053.1), dbSNP rs786203059, ClinGen allele CA382560880.
Genomic context (GRCh38, chr11:108,331,559, plus strand): 5'-CTGCTAGAATGGGGACCAAGATGATGGGAGGCCTAGGATTTCATGAAGTCCTCAATAATG[T>G]AAGTAAACCTGAAAATCAAACCACAATAATTATTTTTATTCTATTATTACTATATATTAT-3'

ClinVar aggregate classification (germline): Likely pathogenic (1 of 4 stars; one submission).

Conditions:
Familial cancer of breast. Also called: hereditary breast carcinoma; BREAST CANCER, FAMILIAL; Hereditary breast cancer. Identifiers: Orphanet 227535, MedGen C0346153, MONDO:0016419, OMIM 114480. Disease mechanism: loss of function.

Submission:

Myriad Genetics, Inc.
Classification: Likely pathogenic for Familial cancer of breast. Last evaluated: 2024-03-14. Review status: criteria provided, single submitter. Criteria: Myriad Autosomal Dominant, Autosomal Recessive and X-Linked Classification Criteria (2023). Collection method: clinical testing. Allele origin: unknown.
Comment: This variant is considered likely pathogenic. This variant occurs within a consensus splice junction and is predicted to result in abnormal mRNA splicing of either an out-of-frame exon or an in-frame exon necessary for protein stability and/or normal function.